The following is an entry in ClinVar:

NM_001366722.1(GRIP1):c.1493C>T (p.Ser498Phe)

Gene: GRIP1 (glutamate receptor interacting protein 1; minus strand). Cytogenetic location: 12q14.3.
Variant type: single nucleotide variant.
Coding change: c.1493C>T on transcript NM_001366722.1 (MANE Select); coding-DNA position 1493, C replaced by T.
Protein change: p.Ser498Phe; replaces serine 498 with phenylalanine.
Molecular consequence: missense variant.
Genome position (GRCh38, 1-based): chr12:66,445,370, G>A on the plus strand (C>T on the coding strand, the complement: GRIP1 is on the minus strand). VCF-style: chr12-66445370-G-A. GRCh37 (hg19) VCF-style: chr12-66839150-G-A.
Other names: c.1337C>T, p.Ser446Phe (NM_001178074.2, NM_001379351.1, NM_021150.4); c.1412C>T, p.Ser471Phe (NM_001366723.1, NM_001379348.1); c.1415C>T, p.Ser472Phe (NM_001366724.1, NM_001379347.1); c.1571C>T, p.Ser524Phe (NM_001379345.1); c.1493C>T, p.Ser498Phe (NM_001379346.1); c.1340C>T, p.Ser447Phe (NM_001379349.1); short protein forms S498F, S446F, S472F, S447F, S471F, S524F.
Identifiers: ClinVar variation 3102563 (VCV003102563.4), dbSNP rs770437517, ClinGen allele CA6674367.
Genomic context (GRCh38, chr12:66,445,370, plus strand): 5'-AAAGTGTCTCACCTCTCTGCTGGGCTGTCAGCTTCGATATAGGAAATCAGAGGTGGAGAA[G>A]AGAGAGTTTCTGTGGCAAACACACTGCCCTGCAGTTGGATCCCAAATCCTGTGACAGGAT-3'
Protein context (NP_001353651.1, residues 488-508): QGSVFATETL[Ser498Phe]SPPLISYIEA

ClinVar aggregate classification (germline): Uncertain significance. Review status: criteria provided, multiple submitters, no conflicts (2 of 4 stars). 3 submissions from 3 submitters: Uncertain significance (3). Last evaluated 2024-03-06.

Conditions:
Fraser syndrome 3. Identifiers: MedGen C4540040, MONDO:0054739, OMIM 617667.
Inborn genetic diseases. Identifiers: MedGen C0950123, MeSH D030342.

Allele frequency attached by ClinVar (database versions not stated): ExAC 0.00003.
gnomAD v4.1: 10 of 1,614,076 alleles (0.00062%); highest among the groups gnomAD compares: East Asian, 0.022%; no homozygotes.

Submissions (3):

Fulgent Genetics
Classification: Uncertain significance for Fraser syndrome 3. Last evaluated: 2024-03-06. Review status: criteria provided, single submitter. Criteria: ACMG Guidelines, 2015. Collection method: clinical testing. Allele origin: germline.

Ambry Genetics
Classification: Uncertain significance for Inborn genetic diseases. Last evaluated: 2023-12-15. Review status: criteria provided, single submitter. Criteria: Ambry Variant Classification Scheme 2023. Collection method: clinical testing. Allele origin: germline.

Juno Genomics, Hangzhou Juno Genomics, Inc
Classification: Uncertain significance for Fraser syndrome 3. Review status: criteria provided, single submitter. Criteria: ACMG Guidelines, 2015. Collection method: clinical testing. Allele origin: germline.
Comment: Absent from controls (or at extremely low frequency if recessive) in Genome Aggregation Database.;Multiple lines of computational evidence support a deleterious effect on the gene or gene product.